The following is an entry in ClinVar:

NM_033109.5(PNPT1):c.976+4A>C

Gene: PNPT1 (polyribonucleotide nucleotidyltransferase 1; minus strand). Cytogenetic location: 2p16.1.
Variant type: single nucleotide variant.
Coding change: c.976+4A>C on transcript NM_033109.5 (MANE Select); 4 bases into the intron after coding-DNA position 976, A replaced by C.
Molecular consequence: intron variant.
Genome position (GRCh38, 1-based): chr2:55,671,315, T>G on the plus strand (A>C on the coding strand, the complement: PNPT1 is on the minus strand). VCF-style: chr2-55671315-T-G. GRCh37 (hg19) VCF-style: chr2-55898450-T-G.
Identifiers: ClinVar variation 2088743 (VCV002088743.4), dbSNP rs372756807, ClinGen allele CA770355024.

ClinVar aggregate classification (germline): Uncertain significance (1 of 4 stars; one submission).

gnomAD v4.1: 3 of 1,469,074 alleles (0.0002%); highest among the groups gnomAD compares: African/African-American, 0.0029%; no homozygotes.

Submission:

Labcorp Genetics (formerly Invitae), Labcorp
Classification: Uncertain significance. Last evaluated: 2022-05-23. Review status: criteria provided, single submitter. Criteria: Invitae Variant Classification Sherloc (09022015). Collection method: clinical testing. Allele origin: germline.
Comment: In summary, the available evidence is currently insufficient to determine the role of this variant in disease. Therefore, it has been classified as a Variant of Uncertain Significance. Variants that disrupt the consensus splice site are a relatively common cause of aberrant splicing (PMID: 17576681, 9536098). Algorithms developed to predict the effect of sequence changes on RNA splicing suggest that this variant is not likely to affect RNA splicing. This variant has not been reported in the literature in individuals affected with PNPT1-related conditions. This variant is not present in population databases (gnomAD no frequency). This sequence change falls in intron 11 of the PNPT1 gene. It does not directly change the encoded amino acid sequence of the PNPT1 protein. It affects a nucleotide within the consensus splice site.

Literature cited by the submitters: PubMed 17576681; PubMed 9536098.